The following is an entry in ClinVar:

ClinVar aggregate classification (germline): Uncertain significance (1 of 4 stars; one submission).

Conditions:
Werner syndrome (WRN). Identifiers: Orphanet 902, MedGen C0043119, MONDO:0010196, OMIM 277700.

Allele frequency attached by ClinVar (database versions not stated): gnomAD 0.00001 and 0.00002; ExAC 0.00002; gnomAD exomes 0.00002 and 0.00005; TOPMed 0.00002.
gnomAD v4.1: 79 of 1,612,500 alleles (0.0049%); highest among the groups gnomAD compares: Non-Finnish European, 0.0064%; no homozygotes.

Submission:

Labcorp Genetics (formerly Invitae), Labcorp
Classification: Uncertain significance for Werner syndrome. Last evaluated: 2025-07-31. Review status: criteria provided, single submitter. Criteria: Invitae Variant Classification Sherloc (09022015). Collection method: clinical testing. Allele origin: germline.
Comment: This sequence change replaces isoleucine, which is neutral and non-polar, with methionine, which is neutral and non-polar, at codon 883 of the WRN protein (p.Ile883Met). This variant is present in population databases (rs201806650, gnomAD 0.005%). This variant has not been reported in the literature in individuals affected with WRN-related conditions. ClinVar contains an entry for this variant (Variation ID: 576837). An algorithm developed to predict the effect of missense changes on protein structure and function (PolyPhen-2) suggests that this variant is likely to be disruptive. In summary, the available evidence is currently insufficient to determine the role of this variant in disease. Therefore, it has been classified as a Variant of Uncertain Significance.

NM_000553.6(WRN):c.2649A>G (p.Ile883Met)

Gene: WRN (WRN RecQ like helicase; plus strand). Cytogenetic location: 8p12.
Variant type: single nucleotide variant.
Coding change: c.2649A>G on transcript NM_000553.6 (MANE Select); coding-DNA position 2649, A replaced by G.
Protein change: p.Ile883Met; replaces isoleucine 883 with methionine.
Molecular consequence: missense variant.
Genome position (GRCh38, 1-based): chr8:31,124,540, A>G. VCF-style: chr8-31124540-A-G. GRCh37 (hg19) VCF-style: chr8-30982056-A-G.
Other names: short protein forms I883M.
Identifiers: ClinVar variation 576837 (VCV000576837.8), dbSNP rs201806650, ClinGen allele CA4704809.
Genomic context (GRCh38, chr8:31,124,540, plus strand): 5'-CAATACAGTTTTACATATTCCTGTGATGTTTTTAATCGACAGGCACCTTCTTACTGAGAT[A>G]CGTAATGAGAAGTTTCGATTATACAAATTAAAGATGATGGCAAAGATGGAAAAATATCTT-3'
Protein context (NP_000544.2, residues 873-893): INLNRHLLTE[Ile883Met]RNEKFRLYKL